The following is an entry in ClinVar:

NM_001458.5(FLNC):c.1900G>C (p.Glu634Gln)

Gene: FLNC (filamin C; plus strand). Cytogenetic location: 7q32.1.
Variant type: single nucleotide variant.
Coding change: c.1900G>C on transcript NM_001458.5 (MANE Select); coding-DNA position 1900, G replaced by C.
Protein change: p.Glu634Gln; replaces glutamic acid 634 with glutamine.
Molecular consequence: missense variant.
Genome position (GRCh38, 1-based): chr7:128,841,256, G>C. VCF-style: chr7-128841256-G-C. GRCh37 (hg19) VCF-style: chr7-128481310-G-C.
Other names: c.1900G>C, p.Glu634Gln (NM_001127487.2); short protein forms E634Q.
Identifiers: ClinVar variation 1782307 (VCV001782307.2), dbSNP rs2536628339, ClinGen allele CA369227320.

ClinVar aggregate classification (germline): Uncertain significance (1 of 4 stars; one submission).

Conditions:
Cardiovascular phenotype. Identifiers: MedGen CN230736.

Submission:

Ambry Genetics
Classification: Uncertain significance for Cardiovascular phenotype. Last evaluated: 2021-11-02. Review status: criteria provided, single submitter. Criteria: Ambry Variant Classification Scheme 2023. Collection method: clinical testing. Allele origin: germline.
Comment: The p.E634Q variant (also known as c.1900G>C), located in coding exon 12 of the FLNC gene, results from a G to C substitution at nucleotide position 1900. The glutamic acid at codon 634 is replaced by glutamine, an amino acid with highly similar properties. This amino acid position is conserved. In addition, this alteration is predicted to be deleterious by in silico analysis. Since supporting evidence is limited at this time, the clinical significance of this alteration remains unclear.